The following is an entry in ClinVar:

ClinVar aggregate classification (germline): Pathogenic (0 of 4 stars; one submission).

Conditions:
Malignant tumor of breast. Also called: Malignant breast neoplasm; Cancer breast. Identifiers: MedGen C0006142, MONDO:0007254. Disease mechanism: loss of function.

Submission:

Department of Pathology and Laboratory Medicine, Sinai Health System
Classification: Pathogenic for Malignant tumor of breast. Review status: no assertion criteria provided. Collection method: clinical testing. Allele origin: unknown. Affected: yes. Study: The Canadian Open Genetics Repository (COGR).
Comment: The BRCA2 p.Gly2270Serfs*13 variant was not identified in the literature nor was it identified in the dbSNP, ClinVar, LOVD 3.0, or UMD-LSDB, databases. The variant was not identified in the following control databases: the Exome Aggregation Consortium (August 8th 2016), or the Genome Aggregation Database (Feb 27, 2017). The c.6808_6836del variant is predicted to cause a frameshift, which alters the protein's amino acid sequence beginning at codon 2270 and leads to a premature stop codon at position 2282. This alteration is then predicted to result in a truncated or absent protein and loss of function. Loss of function variants of the BRCA2 gene are an established mechanism of disease in BRCA2 associated disorders and is the type of variant expected to cause the disorder. In summary, based on the above information this variant meets our laboratoryâ€šÃ„Ã´s criteria to be classified as pathogenic.

NM_000059.4(BRCA2):c.6808_6836del (p.Gly2270fs)

Gene: BRCA2 (BRCA2 DNA repair associated; plus strand). Cytogenetic location: 13q13.1.
Variant type: Deletion.
Coding change: c.6808_6836del on transcript NM_000059.4 (MANE Select); coding-DNA positions 6808 to 6836, 29 bases deleted (GGAAAAAGAAGAGGAGAGCCCCTTATCTT).
Protein change: p.Gly2270fs; shifts the reading frame from glycine 2270.
Molecular consequence: frameshift variant.
Genome position (GRCh38, 1-based): chr13:32,341,163-32,341,191, GGAAAAAGAAGAGGAGAGCCCCTTATCTT deleted; deleting any 29 consecutive bases within chr13:32,341,161-32,341,191 gives the same sequence; the c. name uses the placement nearest the transcript's 3' end. VCF-style (leftmost placement, unchanged base first): chr13-32341160-ATTGGAAAAAGAAGAGGAGAGCCCCTTATC-A. GRCh37 (hg19) VCF-style: chr13-32915297-ATTGGAAAAAGAAGAGGAGAGCCCCTTATC-A.
Other names: short protein forms G2270fs.
Identifiers: ClinVar variation 1049351 (VCV001049351.2), dbSNP rs2137530818, ClinGen allele CA2499222253.